The following is an entry in ClinVar:

ClinVar aggregate classification (germline): Uncertain significance. Review status: criteria provided, multiple submitters, no conflicts (2 of 4 stars). 3 submissions from 3 submitters: Uncertain significance (2). 1 of the submissions does not count toward it. Last evaluated 2023-08-22.

Conditions:
Xeroderma pigmentosum, group C (XPC). Also called: Xeroderma pigmentosum, complementation group C; XERODERMA PIGMENTOSUM III; XP, GROUP C; XPC-Related Xeroderma Pigmentosum. Identifiers: Orphanet 910, MedGen C2752147, MONDO:0010211, OMIM 278720.
Xeroderma pigmentosum (XP). Identifiers: Orphanet 910, MedGen C0043346, MONDO:0019600.

Allele frequency attached by ClinVar (database versions not stated): TOPMed below 0.00001; gnomAD 0.00001; gnomAD exomes 0.00001.
gnomAD v4.1: 21 of 1,613,594 alleles (0.0013%); highest among the groups gnomAD compares: Non-Finnish European, 0.0018%; no homozygotes.

Submissions (3):

Women's Health and Genetics/Laboratory Corporation of America, LabCorp
Classification: Uncertain significance. Last evaluated: 2023-08-22. Review status: criteria provided, single submitter. Criteria: LabCorp Variant Classification Summary - May 2015. Collection method: clinical testing. Allele origin: germline.
Comment: Variant summary: XPC c.2011C>T (p.Arg671Cys) results in a non-conservative amino acid change located in the Rad4 beta-hairpin domain 1 (IPR018326) of the encoded protein sequence. Four of five in-silico tools predict a damaging effect of the variant on protein function. The variant was absent in 249016 control chromosomes (gnomAD). The available data on variant occurrences in the general population are insufficient to allow any conclusion about variant significance. c.2011C>T has been reported in the literature in an individual affected with lung cancer (example: Matakidou_2006). This report does not provide unequivocal conclusions about association of the variant with Xeroderma Pigmentosum. To our knowledge, no experimental evidence demonstrating an impact on protein function has been reported. The following publication has been ascertained in the context of this evaluation (PMID: 16550608). Two submitters have cited clinical-significance assessments for this variant to ClinVar after 2014. All submitters classified the variant as uncertain significance. Based on the evidence outlined above, the variant was classified as uncertain significance.

Sema4
Classification: Uncertain significance for Xeroderma pigmentosum. Last evaluated: 2021-08-20. Review status: criteria provided, single submitter. Criteria: Sema4 Curation Guidelines. Collection method: curation. Allele origin: germline.
Comment: The XPC c.2011C>T (p.R671C) variant has been reported in at least one individual with lung cancer (PMID: 16550608). It was not observed in the large and broad cohorts of the Genome Aggregation Database (PMID: 32461654). The variant has been reported in ClinVar (Variation ID 553710). Functional studies have not been performed, and in silico predictions of the variant's effect on protein function are inconclusive. The evidence is insufficient to meet ACMG/AMP criteria for classifying the variant as benign or pathogenic. Thus, the clinical significance of this variant is currently uncertain.

Counsyl
Classification: Uncertain significance for Xeroderma pigmentosum, group C. Last evaluated: 2017-09-05. Review status: no assertion criteria provided. Collection method: clinical testing. Allele origin: unknown. Not counted in ClinVar's aggregate classification.

Literature cited by the submitters: PubMed 16550608 (cited by Women's Health and Genetics/Laboratory Corporation of America, LabCorp and Sema4).

NM_004628.5(XPC):c.2011C>T (p.Arg671Cys)

Gene: XPC (XPC complex subunit, DNA damage recognition and repair factor; minus strand). Cytogenetic location: 3p25.1.
Variant type: single nucleotide variant.
Coding change: c.2011C>T on transcript NM_004628.5 (MANE Select); coding-DNA position 2011, C replaced by T.
Protein change: p.Arg671Cys; replaces arginine 671 with cysteine.
Molecular consequence: missense variant. On other transcripts: intron variant (1).
Genome position (GRCh38, 1-based): chr3:14,156,357, G>A on the plus strand (C>T on the coding strand, the complement: XPC is on the minus strand). VCF-style: chr3-14156357-G-A. GRCh37 (hg19) VCF-style: chr3-14197857-G-A.
Other names: c.1432C>T, p.Arg478Cys (NM_001354726.2); c.1993C>T, p.Arg665Cys (NM_001354729.2); c.1765C>T, p.Arg589Cys (NM_001354730.2); c.1872+1654C>T (NM_001354727.2); short protein forms R671C, R665C, R478C, R589C.
Identifiers: ClinVar variation 553710 (VCV000553710.4), dbSNP rs771891932, ClinGen allele CA69751073.